The following is an entry in ClinVar:

ClinVar aggregate classification (germline): Uncertain significance (1 of 4 stars; one submission).

Conditions:
Inborn genetic diseases. Identifiers: MedGen C0950123, MeSH D030342.

gnomAD v4.1: 1 of 1,614,202 alleles (0.000062%); highest among the groups gnomAD compares: East Asian, 0.0022%; no homozygotes.

Submission:

Ambry Genetics
Classification: Uncertain significance for Inborn genetic diseases. Last evaluated: 2025-11-28. Review status: criteria provided, single submitter. Criteria: Ambry Variant Classification Scheme 2023. Collection method: clinical testing. Allele origin: germline.
Comment: The p.N53S variant (also known as c.158A>G), located in coding exon 2 of the BUB1B gene, results from an A to G substitution at nucleotide position 158. The asparagine at codon 53 is replaced by serine, an amino acid with highly similar properties. This amino acid position is conserved. In addition, this alteration is predicted to be tolerated by in silico analysis. Based on the available evidence, the clinical significance of this variant remains unclear.

NM_001211.6(BUB1B):c.158A>G (p.Asn53Ser)

Gene: BUB1B (BUB1 mitotic checkpoint serine/threonine kinase B; plus strand). Cytogenetic location: 15q15.1.
Variant type: single nucleotide variant.
Coding change: c.158A>G on transcript NM_001211.6 (MANE Select); coding-DNA position 158, A replaced by G.
Protein change: p.Asn53Ser; replaces asparagine 53 with serine.
Molecular consequence: missense variant.
Genome position (GRCh38, 1-based): chr15:40,165,175, A>G. VCF-style: chr15-40165175-A-G. GRCh37 (hg19) VCF-style: chr15-40457376-A-G.
Other names: short protein forms N53S.
Identifiers: ClinVar variation 4600637 (VCV004600637.1).
Genomic context (GRCh38, chr15:40,165,175, plus strand): 5'-GGCAAGGGCGGATCATGTCCACGCTTCAGGGAGCACTGGCACAAGAATCTGCCTGTAACA[A>G]TACTCTTCAGCAGCAGAAACGGTGTGTAGAATGGCTGAGTCTCAACCTGTCGTCATTCAT-3'
Protein context (NP_001202.5, residues 43-63): GALAQESACN[Asn53Ser]TLQQQKRAFE